The following is an entry in ClinVar:

NM_005664.4(MKRN3):c.1046G>T (p.Ser349Ile)

Gene: MKRN3 (makorin ring finger protein 3; plus strand). Cytogenetic location: 15q11.2.
Variant type: single nucleotide variant.
Coding change: c.1046G>T on transcript NM_005664.4 (MANE Select); coding-DNA position 1046, G replaced by T.
Protein change: p.Ser349Ile; replaces serine 349 with isoleucine.
Molecular consequence: missense variant.
Genome position (GRCh38, 1-based): chr15:23,566,828, G>T. VCF-style: chr15-23566828-G-T. GRCh37 (hg19) VCF-style: chr15-23811975-G-T.
Other names: short protein forms S349I.
Identifiers: ClinVar variation 381799 (VCV000381799.2), dbSNP rs771912869, ClinGen allele CA7429505.
Genomic context (GRCh38, chr15:23,566,828, plus strand): 5'-TTGGCATTCTTTCCAATTGCAACCATTCCTTCTGTATTAGGTGTATCCGCAGGTGGAGAA[G>T]TGCCAGACAGTTTGAGAACAGGATCGTCAAGTCTTGCCCACAGTGCAGGGTCACCTCTGA-3'
Protein context (NP_005655.1, residues 339-359): FCIRCIRRWR[Ser349Ile]ARQFENRIVK

ClinVar aggregate classification (germline): Uncertain significance (1 of 4 stars; one submission).

Allele frequency attached by ClinVar (database versions not stated): gnomAD 0.00003 and 0.00006; TOPMed 0.00011 and 0.00014.

Submission:

GeneDx
Classification: Uncertain significance. Last evaluated: 2016-12-15. Review status: criteria provided, single submitter. Criteria: GeneDx Variant Classification (06012015). Collection method: clinical testing. Allele origin: germline. Affected: yes.
Comment: The S349I variant in the MKRN3 gene has not been reported previously as a pathogenic variant, nor as a benign variant, to our knowledge. The S349I variant was not observed in approximately 6,500 individuals of European and African American ancestry in the NHLBI Exome Sequencing Project, indicating it is not a common benign variant in these populations. The S349I variant is a non-conservative amino acid substitution, which is likely to impact secondary protein structure as these residues differ in polarity, charge, size and/or other properties. This substitution occurs at a position that is not conserved. In silico analysis predicts this variant is probably damaging to the protein structure/function. We interpret S349I as a variant of uncertain significance.